The following is an entry in ClinVar:

ClinVar aggregate classification (germline): Likely benign. Review status: criteria provided, multiple submitters, no conflicts (2 of 4 stars). 2 submissions from 2 submitters: Likely benign (2). Last evaluated 2024-10-18.

Conditions:
Dilated cardiomyopathy 1G (CMD1G). Identifiers: Orphanet 154, MedGen C1858763, MONDO:0011400, OMIM 604145.
Autosomal recessive limb-girdle muscular dystrophy type 2J (LGMDR10). Also called: Limb-girdle muscular dystrophy, type 2J; MUSCULAR DYSTROPHY, LIMB-GIRDLE, AUTOSOMAL RECESSIVE 10. Identifiers: Orphanet 140922, MedGen C1837342, MONDO:0012127, OMIM 608807.

Allele frequency attached by ClinVar (database versions not stated): gnomAD 0.00011; gnomAD exomes 0.00016.

Submissions (2):

Labcorp Genetics (formerly Invitae), Labcorp
Classification: Likely benign for Dilated cardiomyopathy 1G; Autosomal recessive limb-girdle muscular dystrophy type 2J. Last evaluated: 2024-10-18. Review status: criteria provided, single submitter. Criteria: Invitae Variant Classification Sherloc (09022015). Collection method: clinical testing. Allele origin: germline.

GeneDx
Classification: Likely benign. Last evaluated: 2017-03-21. Review status: criteria provided, single submitter. Criteria: GeneDx Variant Classification (06012015). Collection method: clinical testing. Allele origin: germline. Affected: yes.
Comment: This variant is considered likely benign or benign based on one or more of the following criteria: it is a conservative change, it occurs at a poorly conserved position in the protein, it is predicted to be benign by multiple in silico algorithms, and/or has population frequency not consistent with disease.

NM_001267550.2(TTN):c.37369+8C>A

Gene: TTN (titin; minus strand). Cytogenetic location: 2q31.2.
Variant type: single nucleotide variant.
Coding change: c.37369+8C>A on transcript NM_001267550.2 (MANE Select); 8 bases into the intron after coding-DNA position 37369, C replaced by A.
Molecular consequence: intron variant.
Genome position (GRCh38, 1-based): chr2:178,659,164, G>T on the plus strand (C>A on the coding strand, the complement: TTN is on the minus strand). VCF-style: chr2-178659164-G-T. GRCh37 (hg19) VCF-style: chr2-179523891-G-T.
Other names: c.34438+8C>A (NM_001256850.1); c.13283-16847C>A (NM_003319.4); c.13859-16847C>A (NM_133437.4); c.13658-16847C>A (NM_133432.3); c.31657+8C>A (NM_133378.4).
Identifiers: ClinVar variation 508373 (VCV000508373.9), dbSNP rs1489244862, ClinGen allele CA538436849.